The following is an entry in ClinVar:

NM_015693.4(INTU):c.2302C>T (p.Pro768Ser)

Genes: INTU (inturned planar cell polarity protein; plus strand), LOC123480930 (P300/CBP strongly-dependent group 1 enhancer GRCh37_chr4:128629462-128630661; plus strand). Cytogenetic location: 4q28.1.
Variant type: single nucleotide variant.
Coding change: c.2302C>T on transcript NM_015693.4 (MANE Select); coding-DNA position 2302, C replaced by T.
Protein change: p.Pro768Ser; replaces proline 768 with serine.
Molecular consequence: missense variant.
Genome position (GRCh38, 1-based): chr4:127,708,601, C>T. VCF-style: chr4-127708601-C-T. GRCh37 (hg19) VCF-style: chr4-128629756-C-T.
Other names: short protein forms P768S.
Identifiers: ClinVar variation 3710761 (VCV003710761.2).

ClinVar aggregate classification (germline): Uncertain significance (1 of 4 stars; one submission).

gnomAD v4.1: 11 of 1,597,368 alleles (0.00069%); highest among the groups gnomAD compares: Admixed American, 0.019%; no homozygotes.

Submission:

Labcorp Genetics (formerly Invitae), Labcorp
Classification: Uncertain significance. Last evaluated: 2025-08-19. Review status: criteria provided, single submitter. Criteria: Invitae Variant Classification Sherloc (09022015). Collection method: clinical testing. Allele origin: germline.
Comment: This sequence change replaces proline, which is neutral and non-polar, with serine, which is neutral and polar, at codon 768 of the INTU protein (p.Pro768Ser). This variant is present in population databases (rs372426578, gnomAD 0.03%). This variant has not been reported in the literature in individuals affected with INTU-related conditions. ClinVar contains an entry for this variant (Variation ID: 3710761). Invitae Evidence Modeling of protein sequence and biophysical properties (such as structural, functional, and spatial information, amino acid conservation, physicochemical variation, residue mobility, and thermodynamic stability) indicates that this missense variant is not expected to disrupt INTU protein function with a negative predictive value of 80%. In summary, the available evidence is currently insufficient to determine the role of this variant in disease. Therefore, it has been classified as a Variant of Uncertain Significance.